The following is an entry in ClinVar:

ClinVar aggregate classification (germline): Pathogenic (1 of 4 stars; one submission).

Conditions:
Neurofibromatosis, type 1 (NF1). Also called: VON RECKLINGHAUSEN DISEASE; Peripheral type neurofibromatosis; NEUROFIBROMATOSIS, TYPE I, SOMATIC; Neurofibromatosis, type I. Identifiers: Orphanet 636, MedGen C0027831, MONDO:0018975, OMIM 162200. Disease mechanism: loss of function.

Submission:

Labcorp Genetics (formerly Invitae), Labcorp
Classification: Pathogenic for Neurofibromatosis, type 1. Last evaluated: 2026-01-13. Review status: criteria provided, single submitter. Criteria: Invitae Variant Classification Sherloc (09022015). Collection method: clinical testing. Allele origin: germline.
Comment: This sequence change creates a premature translational stop signal (p.Ala211Glnfs*3) in the NF1 gene. It is expected to result in an absent or disrupted protein product. Loss-of-function variants in NF1 are known to be pathogenic (PMID: 10712197, 23913538). This variant is not present in population databases (gnomAD no frequency). This variant has not been reported in the literature in individuals affected with NF1-related conditions. For these reasons, this variant has been classified as Pathogenic.

Literature cited by the submitters: PubMed 10712197; PubMed 23913538.

NM_001042492.3(NF1):c.631del (p.Ala211fs)

Gene: NF1 (neurofibromin 1; plus strand). Cytogenetic location: 17q11.2.
Variant type: Deletion.
Coding change: c.631del on transcript NM_001042492.3 (MANE Select); coding-DNA position 631, one base deleted (G; older notation c.631delG).
Protein change: p.Ala211fs; shifts the reading frame from alanine 211.
Molecular consequence: frameshift variant.
Genome position (GRCh38, 1-based): chr17:31,181,466, G deleted. VCF-style (leftmost placement, unchanged base first): chr17-31181465-AG-A. GRCh37 (hg19) VCF-style: chr17-29508483-AG-A.
Other names: c.631del, p.Ala211fs (NM_000267.4, NM_001128147.3); short protein forms A211fs.
Identifiers: ClinVar variation 4735305 (VCV004735305.1).